The following is an entry in ClinVar:

NM_001386393.1(PANK2):c.905+1G>T

Gene: PANK2 (pantothenate kinase 2; plus strand). Cytogenetic location: 20p13.
Variant type: single nucleotide variant.
Coding change: c.905+1G>T on transcript NM_001386393.1 (MANE Select); the canonical splice donor site of the intron after coding-DNA position 905, G replaced by T.
Molecular consequence: splice donor variant.
Genome position (GRCh38, 1-based): chr20:3,910,831, G>T. VCF-style: chr20-3910831-G-T. GRCh37 (hg19) VCF-style: chr20-3891478-G-T.
Other names: c.-74+1G>T (NM_001324193.2); c.362+1G>T (NM_024960.6, NM_001324191.2, NM_153640.4); c.1235+1G>T (NM_153638.4).
Identifiers: ClinVar variation 431115 (VCV000431115.3), dbSNP rs1135401789, ClinGen allele CA408115849.

ClinVar aggregate classification (germline): Pathogenic (1 of 4 stars; one submission).

Conditions:
Pigmentary pallidal degeneration (NBIA1). Also called: Pantothenate Kinase-Associated Neurodegeneration; Neuroaxonal dystrophy, late infantile; Hallervorden-Spatz disease; PKAN NEUROAXONAL DYSTROPHY, JUVENILE-ONSET; HARP SYNDROME; Neurodegeneration with brain iron accumulation 1. Identifiers: Orphanet 157850, MedGen C0018523, MONDO:0009319, OMIM 234200.

Allele frequency attached by ClinVar (database versions not stated): gnomAD exomes below 0.00001.
gnomAD v4.1: 1 of 1,614,074 alleles (0.000062%); highest among the groups gnomAD compares: East Asian, 0.0022%; no homozygotes.

Submission:

Groupe Hospitalier Pitie Salpetriere, Uf Genomique Du Developpement, Assistance Publique Hopitaux de Paris Sorbonne Université
Classification: Pathogenic for Neurodegeneration with brain iron accumulation 1. Last evaluated: 2017-01-06. Review status: criteria provided, single submitter. Criteria: ACMG Guidelines, 2015. Collection method: clinical testing. Allele origin: paternal. Affected: yes. Observed: 1 variant allele.
Comment: neurodegenerative syndrome; cerebellar ataxia; epilepsy; tremor

Literature cited by the submitters: PubMed 28708303.